The following is an entry in ClinVar:

GRCh37/hg19 6q26(chr6:162519220-162710973)x1

Gene: PRKN (parkin RBR E3 ubiquitin protein ligase; minus strand). Cytogenetic location: 6q26.
Variant type: copy number loss.
Change: copy number 1 (one copy instead of two) of chr6:162,519,220-162,710,973 (191.8 kb, GRCh37 coordinates, 1-based), cytogenetic band 6q26.
Identifiers: ClinVar variation 219031 (VCV000219031.4).

ClinVar aggregate classification (germline): Uncertain significance (1 of 4 stars; one submission).

Submission:

Cytogenetics Laboratory, University of Washington
Classification: Uncertain significance. Last evaluated: 2015-07-24. Review status: criteria provided, single submitter. Criteria: UW Cytogenetics and Genomics Laboratory Policy on CNV Interpretation (5/6/2015). Collection method: clinical testing. Allele origin: maternal. Affected: yes. Observed: 1 variant allele.

Literature cited by the submitters: PubMed 19204725; PubMed 11038444; PubMed 11745996; PubMed 18696223; PubMed 21700882; PubMed 24757835; PubMed 23835509; PubMed 19636047; PubMed 16769863; PubMed 24694762; PubMed 23164820; PubMed 20876472.